The following is an entry in ClinVar:

NM_001379180.1(ESRRB):c.1229C>T (p.Thr410Met)

Gene: ESRRB (estrogen related receptor beta; plus strand). Cytogenetic location: 14q24.3.
Variant type: single nucleotide variant.
Coding change: c.1229C>T on transcript NM_001379180.1 (MANE Select); coding-DNA position 1229, C replaced by T.
Protein change: p.Thr410Met; replaces threonine 410 with methionine.
Molecular consequence: missense variant.
Genome position (GRCh38, 1-based): chr14:76,498,322, C>T. VCF-style: chr14-76498322-C-T. GRCh37 (hg19) VCF-style: chr14-76964665-C-T.
Other names: c.1166C>T, p.Thr389Met (NM_004452.4); short protein forms T389M, T410M.
Identifiers: ClinVar variation 504570 (VCV000504570.13), dbSNP rs201714970, ClinGen allele CA7281801.
Genomic context (GRCh38, chr14:76,498,322, plus strand): 5'-TGCTGCACGAGGCACTGCAGGACTACGAGCTGAGCCAGCGCCATGAGGAGCCCTGGAGGA[C>T]GGGCAAGCTGCTGCTGACACTGCCGCTGCTGCGGCAGACGGCCGCCAAGGCCGTGCAGCA-3'
Protein context (NP_001366109.1, residues 400-420): LSQRHEEPWR[Thr410Met]GKLLLTLPLL

ClinVar aggregate classification (germline): Uncertain significance. Review status: criteria provided, multiple submitters, no conflicts (2 of 4 stars). 5 submissions from 5 submitters: Uncertain significance (5). Last evaluated 2026-08-05.

Conditions:
ESRRB-related disorder. Also called: ESRRB-related condition.

Allele frequency attached by ClinVar (database versions not stated): TOPMed 0.00008; gnomAD exomes 0.00012; gnomAD 0.00013; ESP Exome Variant Server 0.00015; ExAC 0.00019; 1000 Genomes Project 0.00020.

Submissions (5):

PreventionGenetics, part of Exact Sciences
Classification: Uncertain significance for ESRRB-related condition. Last evaluated: 2026-08-05. Review status: criteria provided, single submitter. Criteria: ACMG Guidelines, 2015. Collection method: clinical testing. Allele origin: germline.
Comment: The ESRRB c.1166C>T variant is predicted to result in the amino acid substitution p.Thr389Met. This variant was reported in the heterozygous state in the absence of a second potentially causative variant in an individual with hearing loss (Collin et al. 2008. PubMed ID: 18179891). This variant is reported in 0.040% of alleles in individuals of European (Finnish) descent in gnomAD, including one homozygote in the larger gnomAD v4.1.1 database. At this time, the clinical significance of this variant is uncertain due to the absence of conclusive functional and genetic evidence.

CeGaT Center for Human Genetics Tuebingen
Classification: Uncertain significance. Last evaluated: 2026-06-01. Review status: criteria provided, single submitter. Criteria: CeGaT Center For Human Genetics Tuebingen Variant Classification Criteria Version 2. Collection method: clinical testing. Allele origin: germline. Affected: yes. Observed: 1 variant allele.

GeneDx
Classification: Uncertain significance. Last evaluated: 2026-02-26. Review status: criteria provided, single submitter. Criteria: GeneDx Variant Classification Process June 2021. Collection method: clinical testing. Allele origin: germline.
Comment: Reported without a second variant in an individual with hearing impairment in published literature (PMID: 18179891); In silico analysis suggests that this missense variant does not alter protein structure/function; This variant is associated with the following publications: (PMID: 18179891)

Labcorp Genetics (formerly Invitae), Labcorp
Classification: Uncertain significance. Last evaluated: 2024-10-17. Review status: criteria provided, single submitter. Criteria: Invitae Variant Classification Sherloc (09022015). Collection method: clinical testing. Allele origin: germline.
Comment: This sequence change replaces threonine, which is neutral and polar, with methionine, which is neutral and non-polar, at codon 389 of the ESRRB protein (p.Thr389Met). This variant is present in population databases (rs201714970, gnomAD 0.04%). This missense change has been observed in individual(s) with deafness (PMID: 18179891). ClinVar contains an entry for this variant (Variation ID: 504570). An algorithm developed to predict the effect of missense changes on protein structure and function outputs the following: PolyPhen-2: "Benign". The methionine amino acid residue is found in multiple mammalian species, which suggests that this missense change does not adversely affect protein function. In summary, the available evidence is currently insufficient to determine the role of this variant in disease. Therefore, it has been classified as a Variant of Uncertain Significance.

Laboratory for Molecular Medicine, Mass General Brigham Personalized Medicine
Classification: Uncertain significance. Last evaluated: 2016-06-21. Review status: criteria provided, single submitter. Criteria: LMM Criteria. Collection method: clinical testing. Allele origin: germline. Observed: 1 variant allele.
Comment: This variant has also been identified in 5/6176 Finnish chromosom es and 22/114190 total chromosomes by the Exome Aggregation Consortium (ExAC; dbSNP rs201714970). Although this variant has been seen in the general population, its frequency is not high enough to rule out a pathogenic role. Computational prediction tools and conservation analyses do not provide strong support for or against an impact to the protein. Of note, 2 mamm als (chinchilla and bushed-tail rat) have a methionine (Met) at this position de spite high nearby amino acid sequence conservation. In summary, while the clinic al significance of the p.Thr389Met variant is uncertain, available data suggest that it is more likely to be benign.

Literature cited by the submitters: PubMed 18179891 (cited by Labcorp Genetics (formerly Invitae), Labcorp and Laboratory for Molecular Medicine, Mass General Brigham Personalized Medicine).